The following is an entry in ClinVar:

ClinVar aggregate classification (germline): Uncertain significance (1 of 4 stars; one submission).

Conditions:
Congenital brain dysgenesis due to glutamine synthetase deficiency (GLND). Also called: GLUTAMINE SYNTHASE DEFICIENCY, CONGENITAL SYSTEMIC. Identifiers: Orphanet 71278, MedGen C1864910, MONDO:0012393, OMIM 610015.

gnomAD v4.1: 6 of 1,614,078 alleles (0.00037%); highest among the groups gnomAD compares: South Asian, 0.0044%; no homozygotes.

Submission:

Labcorp Genetics (formerly Invitae), Labcorp
Classification: Uncertain significance for Congenital brain dysgenesis due to glutamine synthetase deficiency. Last evaluated: 2025-11-03. Review status: criteria provided, single submitter. Criteria: Invitae Variant Classification Sherloc (09022015). Collection method: clinical testing. Allele origin: germline.
Comment: This sequence change replaces asparagine, which is neutral and polar, with serine, which is neutral and polar, at codon 318 of the GLUL protein (p.Asn318Ser). This variant is present in population databases (no rsID available, gnomAD 0.006%). This variant has not been reported in the literature in individuals affected with GLUL-related conditions. Invitae Evidence Modeling of protein sequence and biophysical properties (such as structural, functional, and spatial information, amino acid conservation, physicochemical variation, residue mobility, and thermodynamic stability) indicates that this missense variant is not expected to disrupt GLUL protein function with a negative predictive value of 80%. In summary, the available evidence is currently insufficient to determine the role of this variant in disease. Therefore, it has been classified as a Variant of Uncertain Significance.

NM_001033044.4(GLUL):c.953A>G (p.Asn318Ser)

Gene: GLUL (glutamate-ammonia ligase; minus strand). Cytogenetic location: 1q25.3.
Variant type: single nucleotide variant.
Coding change: c.953A>G on transcript NM_001033044.4 (MANE Select); coding-DNA position 953, A replaced by G.
Protein change: p.Asn318Ser; replaces asparagine 318 with serine.
Molecular consequence: missense variant.
Genome position (GRCh38, 1-based): chr1:182,384,574, T>C on the plus strand (A>G on the coding strand, the complement: GLUL is on the minus strand). VCF-style: chr1-182384574-T-C. GRCh37 (hg19) VCF-style: chr1-182353709-T-C.
Other names: c.953A>G, p.Asn318Ser (NM_001033056.4, NM_002065.7); short protein forms N318S.
Identifiers: ClinVar variation 4691301 (VCV004691301.1).